The following is an entry in ClinVar:

NM_139318.5(KCNH5):c.2803G>A (p.Val935Met)

Gene: KCNH5 (potassium voltage-gated channel subfamily H member 5; minus strand). Cytogenetic location: 14q23.2.
Variant type: single nucleotide variant.
Coding change: c.2803G>A on transcript NM_139318.5 (MANE Select); coding-DNA position 2803, G replaced by A.
Protein change: p.Val935Met; replaces valine 935 with methionine.
Molecular consequence: missense variant. On other transcripts: 3 prime UTR variant (1).
Genome position (GRCh38, 1-based): chr14:62,707,672, C>T on the plus strand (G>A on the coding strand, the complement: KCNH5 is on the minus strand). VCF-style: chr14-62707672-C-T. GRCh37 (hg19) VCF-style: chr14-63174390-C-T.
Other names: c.*770G>A (NM_172375.3); short protein forms V935M.
Identifiers: ClinVar variation 2759228 (VCV002759228.3), dbSNP rs750395092, ClinGen allele CA7217184.
Genomic context (GRCh38, chr14:62,707,672, plus strand): 5'-ATTTGGGAGATGAGGCCTGGGGTACGCTTTTTTCCGACAGTATTTTTAAAATTTCTGCCA[C>T]CTGCTTTTCTAGGGCAGTCATTCTGCAGCTGAGCAGCTGGATGTCCTCTTTGAGTTCGTG-3'
Protein context (NP_647479.2, residues 925-945): SCRMTALEKQ[Val935Met]AEILKILSEK

ClinVar aggregate classification (germline): Uncertain significance (1 of 4 stars; one submission).

Conditions:
Early-infantile DEE. Also called: Ohtahara syndrome; Early infantile epileptic encephalopathy; Early infantile epileptic encephalopathy with suppression bursts. Identifiers: Orphanet 1934, MedGen C0393706, MONDO:0800491.

Allele frequency attached by ClinVar (database versions not stated): TOPMed below 0.00001; ExAC 0.00001; gnomAD 0.00001; gnomAD exomes 0.00001.
gnomAD v4.1: 9 of 1,589,508 alleles (0.00057%); highest among the groups gnomAD compares: Non-Finnish European, 0.00077%; no homozygotes.

Submission:

Labcorp Genetics (formerly Invitae), Labcorp
Classification: Uncertain significance for Early-infantile DEE. Last evaluated: 2024-04-12. Review status: criteria provided, single submitter. Criteria: Invitae Variant Classification Sherloc (09022015). Collection method: clinical testing. Allele origin: germline.
Comment: This sequence change replaces valine, which is neutral and non-polar, with methionine, which is neutral and non-polar, at codon 935 of the KCNH5 protein (p.Val935Met). This variant is present in population databases (rs750395092, gnomAD 0.002%). This variant has not been reported in the literature in individuals affected with KCNH5-related conditions. An algorithm developed to predict the effect of missense changes on protein structure and function (PolyPhen-2) suggests that this variant is likely to be disruptive. In summary, the available evidence is currently insufficient to determine the role of this variant in disease. Therefore, it has been classified as a Variant of Uncertain Significance.